The following is an entry in ClinVar:

ClinVar aggregate classification (germline): Uncertain significance (1 of 4 stars; one submission).

Conditions:
Charcot-Marie-Tooth disease type 4. Also called: Charcot-Marie-Tooth, Type 4; Charcot-Marie-Tooth disease, type IV. Identifiers: Orphanet 64749, MedGen C4082197, MONDO:0018995.

Allele frequency attached by ClinVar (database versions not stated): gnomAD exomes below 0.00001 and 0.00001; TOPMed below 0.00001; ExAC 0.00001; gnomAD 0.00001.
gnomAD v4.1: 11 of 1,613,980 alleles (0.00068%); highest among the groups gnomAD compares: South Asian, 0.0011%; no homozygotes.

Submission:

Labcorp Genetics (formerly Invitae), Labcorp
Classification: Uncertain significance for Charcot-Marie-Tooth disease type 4. Last evaluated: 2021-10-21. Review status: criteria provided, single submitter. Criteria: Invitae Variant Classification Sherloc (09022015). Collection method: clinical testing. Allele origin: germline.
Comment: In summary, the available evidence is currently insufficient to determine the role of this variant in disease. Therefore, it has been classified as a Variant of Uncertain Significance. Algorithms developed to predict the effect of missense changes on protein structure and function (SIFT, PolyPhen-2, Align-GVGD) all suggest that this variant is likely to be tolerated. This variant has not been reported in the literature in individuals affected with SBF2-related conditions. This variant is present in population databases (rs757498268, ExAC 0.006%). This sequence change replaces histidine with arginine at codon 1603 of the SBF2 protein (p.His1603Arg). The histidine residue is weakly conserved and there is a small physicochemical difference between histidine and arginine.

NM_030962.4(SBF2):c.4808A>G (p.His1603Arg)

Genes: SBF2 (SET binding factor 2; minus strand), SBF2-AS1 (SBF2 antisense RNA 1; plus strand), LOC105369149 (uncharacterized LOC105369149; plus strand). Cytogenetic location: 11p15.4.
Variant type: single nucleotide variant.
Coding change: c.4808A>G on transcript NM_030962.4 (MANE Select); coding-DNA position 4808, A replaced by G.
Protein change: p.His1603Arg; replaces histidine 1603 with arginine.
Molecular consequence: missense variant.
Genome position (GRCh38, 1-based): chr11:9,789,233, T>C on the plus strand (A>G on the coding strand, the complement: SBF2 is on the minus strand). VCF-style: chr11-9789233-T-C. GRCh37 (hg19) VCF-style: chr11-9810780-T-C.
Other names: c.4904A>G, p.His1635Arg (NM_001386339.1); c.4679A>G, p.His1560Arg (NM_001386342.1); short protein forms H1560R, H1635R, H1603R.
Identifiers: ClinVar variation 1361279 (VCV001361279.6), dbSNP rs757498268, ClinGen allele CA5880887.
Genomic context (GRCh38, chr11:9,789,233, plus strand): 5'-GTTCTCCTCTGGCTCCGTGGCCCAGCTTCTCCAGCCAGGTCAGAGTCTTCGGAGGGGAAG[T>C]GCTTGGGGGTTAGCATCATCCAGTCATAGGAAGGGCCTGTGGACAGGGTCTCTTCTATGT-3'
Protein context (NP_112224.1, residues 1593-1613): SYDWMMLTPK[His1603Arg]FPSEDSDLAG